The following is an entry in ClinVar:

NM_001080508.3(TBX18):c.1760T>G (p.Phe587Cys)

Gene: TBX18 (T-box transcription factor 18; minus strand). Cytogenetic location: 6q14.3.
Variant type: single nucleotide variant.
Coding change: c.1760T>G on transcript NM_001080508.3 (MANE Select); coding-DNA position 1760, T replaced by G.
Protein change: p.Phe587Cys; replaces phenylalanine 587 with cysteine.
Molecular consequence: missense variant.
Genome position (GRCh38, 1-based): chr6:84,736,749, A>C on the plus strand (T>G on the coding strand, the complement: TBX18 is on the minus strand). VCF-style: chr6-84736749-A-C. GRCh37 (hg19) VCF-style: chr6-85446467-A-C.
Other names: short protein forms F587C.
Identifiers: ClinVar variation 5007100 (VCV005007100.2).

ClinVar aggregate classification (germline): Uncertain significance (1 of 4 stars; one submission).

Conditions:
Congenital anomalies of kidney and urinary tract 2. Identifiers: Orphanet 2190, MedGen C5574705, MONDO:0027676, OMIM 143400.

Submission:

Juno Genomics, Hangzhou Juno Genomics, Inc
Classification: Uncertain significance for Congenital anomalies of kidney and urinary tract 2. Review status: criteria provided, single submitter. Criteria: ACMG Guidelines, 2015. Collection method: clinical testing. Allele origin: germline.
Comment: Absent from controls (or at extremely low frequency if recessive) in Genome Aggregation Database.